The following is an entry in ClinVar:

NM_021098.3(CACNA1H):c.3555G>A (p.Ala1185=)

Gene: CACNA1H (calcium voltage-gated channel subunit alpha1 H; plus strand). Cytogenetic location: 16p13.3.
Variant type: single nucleotide variant.
Coding change: c.3555G>A on transcript NM_021098.3 (MANE Select); coding-DNA position 3555, G replaced by A.
Protein change: p.Ala1185=; no amino-acid change (alanine 1185 retained).
Molecular consequence: synonymous variant.
Genome position (GRCh38, 1-based): chr16:1,209,223, G>A. VCF-style: chr16-1209223-G-A. GRCh37 (hg19) VCF-style: chr16-1259223-G-A.
Other names: c.3555G>A, p.Ala1185= (NM_001005407.2).
Identifiers: ClinVar variation 96010 (VCV000096010.41), dbSNP rs370039255, ClinGen allele CA223618.
Genomic context (GRCh38, chr16:1,209,223, plus strand): 5'-CCTGCTGTCTGGCGAGGGCAAGGGCAGCACCGACGACGAAGCTGAGGACGGCAGGGCCGC[G>A]CCCGGGCCCCGTGCCACCCCACTGCGGCGGGCCGAGTCCCTGGACCCACGGCCCCTGCGG-3'
Protein context (NP_066921.2, residues 1175-1195): TDDEAEDGRA[Ala1185=]PGPRATPLRR

ClinVar aggregate classification (germline): Conflicting classifications of pathogenicity. Review status: criteria provided, conflicting classifications (1 of 4 stars). 5 submissions from 5 submitters: Uncertain significance (1); Benign (2); Likely benign (1). 1 of the submissions does not count toward it. Last evaluated 2025-12-24.

Conditions:
Hyperaldosteronism, familial, type IV (HALD4). Also called: FH IV; ALDOSTERONISM, PRIMARY, AND HYPERTENSION. Identifiers: Orphanet 642671, MedGen C4310756, MONDO:0014875, OMIM 617027.
Idiopathic generalized epilepsy. Also called: Generalised epilepsy; EIG. Identifiers: MedGen C0270850, MONDO:0005579, OMIM 600669.
CACNA1H-related disorder.

Allele frequency attached by ClinVar (database versions not stated): ESP Exome Variant Server 0.00029; gnomAD 0.00032; 1000 Genomes Project 0.00040; ExAC 0.00040; 1000 Genomes Project 30x 0.00047; TOPMed 0.00088.
gnomAD v4.1: 1,762 of 1,545,024 alleles (0.11%); highest among the groups gnomAD compares: Admixed American, 0.14%; 1 homozygote.

Submissions (5):

Labcorp Genetics (formerly Invitae), Labcorp
Classification: Benign for Idiopathic generalized epilepsy; Hyperaldosteronism, familial, type IV. Last evaluated: 2025-12-24. Review status: criteria provided, single submitter. Criteria: Invitae Variant Classification Sherloc (09022015). Collection method: clinical testing. Allele origin: germline.

Blueprint Genetics
Classification: Likely benign. Last evaluated: 2024-10-24. Review status: criteria provided, single submitter. Criteria: ACMG Guidelines, 2015. Collection method: clinical testing. Allele origin: germline.

CeGaT Center for Human Genetics Tuebingen
Classification: Benign. Last evaluated: 2022-09-01. Review status: criteria provided, single submitter. Criteria: CeGaT Center For Human Genetics Tuebingen Variant Classification Criteria Version 2. Collection method: clinical testing. Allele origin: germline. Affected: yes. Observed: 3 variant alleles.
Comment: CACNA1H: BS1, BS2

Eurofins Ntd Llc (ga)
Classification: Uncertain significance. Last evaluated: 2013-07-03. Review status: criteria provided, single submitter. Criteria: EGL Classification Definitions 2015. Collection method: clinical testing. Allele origin: germline. Observed: 1 variant allele, 1 heterozygote.

PreventionGenetics, part of Exact Sciences
Classification: Likely benign for CACNA1H-related condition. Last evaluated: 2019-11-12. Review status: no assertion criteria provided. Collection method: clinical testing. Allele origin: germline. Not counted in ClinVar's aggregate classification.
Comment: This variant is classified as likely benign based on ACMG/AMP sequence variant interpretation guidelines (Richards et al. 2015 PMID: 25741868, with internal and published modifications).